The following is an entry in ClinVar:

NM_000020.3(ACVRL1):c.1121G>A (p.Arg374Gln)

Gene: ACVRL1 (activin A receptor like type 1; plus strand). Cytogenetic location: 12q13.13.
Variant type: single nucleotide variant.
Coding change: c.1121G>A on transcript NM_000020.3 (MANE Select); coding-DNA position 1121, G replaced by A.
Protein change: p.Arg374Gln; replaces arginine 374 with glutamine.
Molecular consequence: missense variant.
Genome position (GRCh38, 1-based): chr12:51,916,108, G>A. VCF-style: chr12-51916108-G-A. GRCh37 (hg19) VCF-style: chr12-52309892-G-A.
Other names: c.1121G>A, p.Arg374Gln (NM_001077401.2); short protein forms R374Q.
Identifiers: ClinVar variation 411314 (VCV000411314.53), dbSNP rs1060503248, ClinGen allele CA16614168.

ClinVar aggregate classification (germline): Pathogenic. Review status: criteria provided, multiple submitters, no conflicts (2 of 4 stars). 12 submissions from 12 submitters: Pathogenic (11). 1 of the submissions does not count toward it. Last evaluated 2026-01-21.

Conditions:
ACVRL1-related disorder. Also called: ACVRL1-related condition; ACVRL1-related disorders.
Cardiovascular phenotype. Identifiers: MedGen CN230736.
Telangiectasia, hereditary hemorrhagic, type 2 (HHT2). Also called: Telangiectasia, hereditary hemorrhagic, type II; ACVRL1-Related Hereditary Hemorrhagic Telangiectasia. Identifiers: Orphanet 774, MedGen C1838163, MONDO:0010880, OMIM 600376. Disease mechanism: loss of function.
Pulmonary arterial hypertension related to hereditary hemorrhagic telangiectasia. Also called: PULMONARY ARTERIAL HYPERTENSION, HEREDITARY HEMORRHAGIC TELANGIECTASIA-RELATED. Identifiers: MedGen C1832529.

Allele frequency attached by ClinVar (database versions not stated): gnomAD exomes below 0.00001; gnomAD 0.00001.

Submissions 1 to 9 of 12:

Labcorp Genetics (formerly Invitae), Labcorp
Classification: Pathogenic for Telangiectasia, hereditary hemorrhagic, type 2. Last evaluated: 2026-01-21. Review status: criteria provided, single submitter. Criteria: Invitae Variant Classification Sherloc (09022015). Collection method: clinical testing. Allele origin: germline.
Comment: This sequence change replaces arginine, which is basic and polar, with glutamine, which is neutral and polar, at codon 374 of the ACVRL1 protein (p.Arg374Gln). The frequency data for this variant in the population databases is considered unreliable, as metrics indicate poor data quality at this position in the gnomAD database. This missense change has been observed in individuals with hereditary hemorrhagic telangiectasia (PMID: 12700602, 18285823, 21158752, 25970827). It has also been observed to segregate with disease in related individuals. ClinVar contains an entry for this variant (Variation ID: 411314). Invitae Evidence Modeling of protein sequence and biophysical properties (such as structural, functional, and spatial information, amino acid conservation, physicochemical variation, residue mobility, and thermodynamic stability) indicates that this missense variant is expected to disrupt ACVRL1 protein function with a positive predictive value of 95%. Experimental studies have shown that this missense change affects ACVRL1 function (PMID: 20501893). This variant disrupts the p.Arg374 amino acid residue in ACVRL1. Other variant(s) that disrupt this residue have been determined to be pathogenic (PMID: 12700602, 15517393, 17384219, 20501893). This suggests that this residue is clinically significant, and that variants that disrupt this residue are likely to be disease-causing. For these reasons, this variant has been classified as Pathogenic.

Mayo Clinic Laboratories, Mayo Clinic
Classification: Pathogenic. Last evaluated: 2024-09-12. Review status: criteria provided, single submitter. Criteria: ACMG Guidelines, 2015. Collection method: clinical testing. Allele origin: germline. Observed: 1 variant allele.
Comment: PP1_strong, PM2, PM5, PS3, PS4

CeGaT Center for Human Genetics Tuebingen
Classification: Pathogenic. Last evaluated: 2024-06-01. Review status: criteria provided, single submitter. Criteria: CeGaT Center For Human Genetics Tuebingen Variant Classification Criteria Version 2. Collection method: clinical testing. Allele origin: germline. Affected: yes. Observed: 1 variant allele.
Comment: ACVRL1: PS4, PM1, PM5, PP1, PS3:Supporting

Baylor Genetics
Classification: Pathogenic for Telangiectasia, hereditary hemorrhagic, type 2. Last evaluated: 2024-03-20. Review status: criteria provided, single submitter. Criteria: ACMG Guidelines, 2015. Collection method: clinical testing. Allele origin: unknown.

GeneDx
Classification: Pathogenic. Last evaluated: 2024-01-25. Review status: criteria provided, single submitter. Criteria: GeneDx Variant Classification Process June 2021. Collection method: clinical testing. Allele origin: germline. Affected: yes.
Comment: Published functional studies in transfected cultured cells suggest that although ACVRL1 receptors harboring R374Q can bind BMP9 ligand at the cell surface, the BMP9 signaling response is impaired (PMID: 20501893); Segregates with HHT in at least two affected relatives from two families (PMID: 12700602, 23919827); Not observed at significant frequency in large population cohorts (gnomAD); In silico analysis supports that this missense variant has a deleterious effect on protein structure/function; This variant is associated with the following publications: (PMID: 18673552, 17384219, 23919827, 18285823, 14684682, 15517393, 17786384, 25970827, 21158752, 29743074, 26387786, 31511490, 34872578, 12700602, 32300199, 33919892, 20501893)

3billion
Classification: Pathogenic for Telangiectasia, hereditary hemorrhagic, type 2. Last evaluated: 2023-08-14. Review status: criteria provided, single submitter. Criteria: ACMG Guidelines, 2015. Collection method: clinical testing. Allele origin: germline. Affected: yes.
Comment: The variant is observed at an extremely low frequency in the gnomAD v2.1.1 dataset (total allele frequency: 0.000%). Predicted Consequence/Location: Missense variant Functional studies provide supporting evidence of the variant having a damaging effect on the gene or gene product (PMID: 20501893). In silico tool predictions suggest damaging effect of the variant on gene or gene product [REVEL: 0.65 (>=0.6, sensitivity 0.68 and specificity 0.92); 3Cnet: 0.97 (>=0.6, sensitivity 0.72 and precision 0.9)]. Same nucleotide change resulting in same amino acid change has been previously reported as pathogenic/likely pathogenic with strong evidence (ClinVar ID: VCV000411314 /PMID: 12700602). Different missense changes at the same codon (p.Arg374Gly, p.Arg374Trp) have been reported as pathogenic/likely pathogenic with strong evidence (ClinVar ID: VCV000008249, VCV000946842 /PMID: 9245985). Therefore, this variant is classified as Pathogenic according to the recommendation of ACMG/AMP guideline.

Blueprint Genetics
Classification: Pathogenic for ACVRL1-related disorders. Last evaluated: 2023-07-17. Review status: criteria provided, single submitter. Criteria: ACMG Guidelines, 2015. Collection method: clinical testing. Allele origin: germline. Affected: yes. Observed: 5 variant alleles.

Molecular Genetics, Royal Melbourne Hospital
Classification: Pathogenic for Telangiectasia, hereditary hemorrhagic, type 2. Last evaluated: 2023-03-30. Review status: criteria provided, single submitter. Criteria: ACMG Guidelines, 2015. Collection method: clinical testing. Allele origin: germline. Affected: yes.
Comment: This sequence change is predicted to replace arginine with glutamine at codon 374 of the ACVRL1 protein (p.(Arg374Gln)). The arginine residue is evolutionarily conserved (100 vertebrates, UCSC), and is located in the protein kinase domain. There is a small physicochemical difference between arginine and glutamine. The variant is present in a single individual in a large population cohort (1/251,110 alleles in gnomAD v2.1). It is a recurrent variant that has been identified in multiple individuals with a clinical diagnosis of hereditary haemorrhagic telangiectasia (HHT), and segregates with disease in multiple families (PMID: 12700602, 12843319, 15517393, 17384219, 18673552, 18285823, 23919827, 25970827, 31511490). The variant alters the BMP9 response and reduces kinase activity in functional studies (PMID: 14684682, 20501893, 27869117). Multiple lines of computational evidence predict a deleterious effect for the missense substitution (5/6 algorithms). Two missense changes involving the same residue (p.Arg374Gly, p.Arg374Trp), but a larger physicochemical change, have been reported as pathogenic in HHT individuals (ClinVar). Based on the classification scheme RMH Modified ACMG Guidelines v1.4.0, this variant is classified as PATHOGENIC. Following criteria are met: PS4, PP1_Strong, PS3_Supporting, PM2_Supporting, PP3.

ARUP Laboratories, Molecular Genetics and Genomics, ARUP Laboratories
Classification: Pathogenic for Telangiectasia, hereditary hemorrhagic, type 2. Last evaluated: 2022-06-26. Review status: criteria provided, single submitter. Criteria: ARUP Molecular Germline Variant Investigation Process 2021. Collection method: clinical testing. Allele origin: germline.
Comment: The ACVRL1 c.1121G>A; p.Arg374Gln variant (rs1060503248) has been reported in the literature in individuals with hereditary hemorrhagic telangiectasia (HHT) or pulmonary arterial hypertension (PAH) (Abdalla 2003, Harrison 2003, McDonald 2011, Yang 2018), and has been shown to have defective BMP9 ligand signaling (Ricard 2010). This variant has been reported in ClinVar (Variation ID: 411314) and is absent from the general population databases (Exome Variant Server, Genome Aggregation Database), indicating it is not a common polymorphism. The arginine at codon 374 is highly conserved, but computational analyses are uncertain whether this variant is neutral or deleterious (REVEL: 0.654). Another amino acid substitution at this codon (p.Arg374Trp) has been reported in multiple individuals with HHT and is considered disease-causing (Harrison 2003, Nishida 2012). Based on available information, the p.Arg374Gln variant is considered to be pathogenic. REFERENCES Abdalla SA et al. Disease-associated mutations in conserved residues of ALK-1 kinase domain. Eur J Hum Genet. 2003 Apr;11(4):279-87. Harrison RE et al. Molecular and functional analysis identifies ALK-1 as the predominant cause of pulmonary hypertension related to hereditary haemorrhagic telangiectasia. J Med Genet. 2003 Dec;40(12):865-71. McDonald J et al. Molecular diagnosis in hereditary hemorrhagic telangiectasia: findings in a series tested simultaneously by sequencing and deletion/duplication analysis. Clin Genet. 2011 Apr;79(4):335-44. Nishida T et al. Brain arteriovenous malformations associated with hereditary hemorrhagic telangiectasia: gene-phenotype correlations. Am J Med Genet A. 2012 ; 158A(11): 2829-2834. Ricard N et al. Functional analysis of the BMP9 response of ALK1 mutants from HHT2 patients: a diagnostic tool for novel ACVRL1 mutations. Blood. 2010 Sep 2;116(9):1604-12. Yang H et al. Genetic analyses in a cohort of 191 pulmonary arterial hypertension patients. Respir Res. 2018 May 9;19(1):87.